The following is an entry in ClinVar:

NM_022489.4(INF2):c.2693G>T (p.Cys898Phe)

Gene: INF2 (inverted formin 2; plus strand). Cytogenetic location: 14q32.33.
Variant type: single nucleotide variant.
Coding change: c.2693G>T on transcript NM_022489.4 (MANE Select); coding-DNA position 2693, G replaced by T.
Protein change: p.Cys898Phe; replaces cysteine 898 with phenylalanine.
Molecular consequence: missense variant.
Genome position (GRCh38, 1-based): chr14:104,712,910, G>T. VCF-style: chr14-104712910-G-T. GRCh37 (hg19) VCF-style: chr14-105179247-G-T.
Other names: c.2693G>T, p.Cys898Phe (NM_001031714.4); short protein forms C898F.
Identifiers: ClinVar variation 952452 (VCV000952452.9), dbSNP rs1890119995, ClinGen allele CA391222422.

ClinVar aggregate classification (germline): Uncertain significance (1 of 4 stars; one submission).

Conditions:
Charcot-Marie-Tooth disease dominant intermediate E. Also called: CHARCOT-MARIE-TOOTH NEUROPATHY WITH FOCAL SEGMENTAL GLOMERULONEPHRITIS. Identifiers: Orphanet 93114, MedGen C4302667, MONDO:0013758, OMIM 614455.
Focal segmental glomerulosclerosis 5 (FSGS5). Identifiers: Orphanet 656, MedGen C2750475, MONDO:0013191, OMIM 613237.

Submission:

Labcorp Genetics (formerly Invitae), Labcorp
Classification: Uncertain significance for Charcot-Marie-Tooth disease dominant intermediate E; Focal segmental glomerulosclerosis 5. Last evaluated: 2019-05-31. Review status: criteria provided, single submitter. Criteria: Invitae Variant Classification Sherloc (09022015). Collection method: clinical testing. Allele origin: germline.
Comment: In summary, the available evidence is currently insufficient to determine the role of this variant in disease. Therefore, it has been classified as a Variant of Uncertain Significance. This variant has not been reported in the literature in individuals with INF2-related conditions. This variant is not present in population databases (ExAC no frequency). This sequence change replaces cysteine with phenylalanine at codon 898 of the INF2 protein (p.Cys898Phe). The cysteine residue is moderately conserved and there is a large physicochemical difference between cysteine and phenylalanine.